The following is an entry in ClinVar:

ClinVar aggregate classification (germline): Conflicting classifications of pathogenicity. Review status: criteria provided, conflicting classifications (1 of 4 stars). 5 submissions from 5 submitters: Uncertain significance (4); Likely benign (1). Last evaluated 2025-04-02.

Conditions:
AIFM1-related disorder. Also called: AIFM1-related condition.
Charcot-Marie-Tooth Neuropathy X. Identifiers: MedGen CN118851.
Combined oxidative phosphorylation deficiency. Identifiers: MedGen C4540031, MONDO:0000732.
Inborn genetic diseases. Identifiers: MedGen C0950123, MeSH D030342.

Allele frequency attached by ClinVar (database versions not stated): gnomAD exomes 0.00002 and 0.00014; ExAC 0.00003; TOPMed 0.00003; gnomAD 0.00004 and 0.00005; ESP Exome Variant Server 0.00019.
gnomAD v4.1: 153 of 1,209,356 alleles (0.013%); highest among the groups gnomAD compares: Non-Finnish European, 0.017%; no homozygotes.

Submissions (5):

PreventionGenetics, part of Exact Sciences
Classification: Uncertain significance for AIFM1-related condition. Last evaluated: 2025-04-02. Review status: criteria provided, single submitter. Criteria: ACMG Guidelines, 2015. Collection method: clinical testing. Allele origin: germline.
Comment: The AIFM1 c.141A>C variant is predicted to result in the amino acid substitution p.Glu47Asp. To our knowledge, this variant has not been reported in the literature. This variant is reported in 0.0037% of alleles in individuals of European (non-Finnish) descent in gnomAD, including two hemizygotes. Although we suspect that this variant may be benign, at this time, the clinical significance of this variant is uncertain due to the absence of conclusive functional and genetic evidence.

Labcorp Genetics (formerly Invitae), Labcorp
Classification: Likely benign for Charcot-Marie-Tooth Neuropathy X; Combined oxidative phosphorylation deficiency. Last evaluated: 2025-02-25. Review status: criteria provided, single submitter. Criteria: Invitae Variant Classification Sherloc (09022015). Collection method: clinical testing. Allele origin: germline.

Ambry Genetics
Classification: Uncertain significance for Inborn genetic diseases. Last evaluated: 2021-10-27. Review status: criteria provided, single submitter. Criteria: Ambry Variant Classification Scheme 2023. Collection method: clinical testing. Allele origin: germline.

Mayo Clinic Laboratories, Mayo Clinic
Classification: Uncertain significance. Last evaluated: 2020-09-28. Review status: criteria provided, single submitter. Criteria: ACMG Guidelines, 2015. Collection method: clinical testing. Allele origin: germline. Observed: 1 variant allele.

Women's Health and Genetics/Laboratory Corporation of America, LabCorp
Classification: Uncertain significance. Last evaluated: 2020-05-08. Review status: criteria provided, single submitter. Criteria: LabCorp Variant Classification Summary - May 2015. Collection method: clinical testing. Allele origin: germline.
Comment: Variant summary: AIFM1 c.141A>C (p.Glu47Asp) results in a conservative amino acid change in the encoded protein sequence. Five of five in-silico tools predict a benign effect of the variant on protein function. The variant allele was found at a frequency of 2.2e-05 in 183483 control chromosomes. The available data on variant occurrences in the general population are insufficient to allow any conclusion about variant significance. To our knowledge, no occurrence of c.141A>C in individuals affected with Combined Oxidative Phosphorylation Deficiency 6 and no experimental evidence demonstrating its impact on protein function have been reported. One clinical diagnostic laboratory has submitted clinical-significance assessments for this variant to ClinVar after 2014 without evidence for independent evaluation and cited the variant as uncertain significance. Based on the evidence outlined above, the variant was classified as uncertain significance.

NM_004208.4(AIFM1):c.141A>C (p.Glu47Asp)

Genes: AIFM1 (apoptosis inducing factor mitochondria associated 1; minus strand), RAB33A (RAB33A, member RAS oncogene family; plus strand). Cytogenetic location: Xq26.1.
Variant type: single nucleotide variant.
Coding change: c.141A>C on transcript NM_004208.4 (MANE Select); coding-DNA position 141, A replaced by C.
Protein change: p.Glu47Asp; replaces glutamic acid 47 with aspartic acid.
Molecular consequence: missense variant. On other transcripts: intron variant (1).
Genome position (GRCh38, 1-based): chrX:130,156,569, T>G on the plus strand (A>C on the coding strand, the complement: AIFM1 is on the minus strand). VCF-style: chrX-130156569-T-G. GRCh37 (hg19) VCF-style: chrX-129290543-T-G.
Other names: c.141A>C, p.Glu47Asp (NM_001130847.4); c.107-1283A>C (NM_145812.3); short protein forms E47D.
Identifiers: ClinVar variation 660192 (VCV000660192.16), dbSNP rs369523358, ClinGen allele CA10515525.